The following is an entry in ClinVar:

ClinVar aggregate classification (germline): Uncertain significance. Review status: criteria provided, multiple submitters, no conflicts (2 of 4 stars). 2 submissions from 2 submitters: Uncertain significance (2). Last evaluated 2022-03-18.

Conditions:
Cardiomyopathy (CMYO). Also called: Cardiomyopathies. Identifiers: Orphanet 167848, MedGen C0878544, MONDO:0004994, HP:0001638. Inheritance: Various modes of inheritance.
Lethal congenital glycogen storage disease of heart. Also called: PHOSPHORYLASE KINASE DEFICIENCY OF HEART; GLYCOGEN STORAGE DISEASE OF HEART. Identifiers: Orphanet 439854, MedGen C1849813, MONDO:0009867, OMIM 261740.

Submissions (2):

Labcorp Genetics (formerly Invitae), Labcorp
Classification: Uncertain significance for Lethal congenital glycogen storage disease of heart. Last evaluated: 2022-03-18. Review status: criteria provided, single submitter. Criteria: Invitae Variant Classification Sherloc (09022015). Collection method: clinical testing. Allele origin: germline.
Comment: In summary, the available evidence is currently insufficient to determine the role of this variant in disease. Therefore, it has been classified as a Variant of Uncertain Significance. Experimental studies and prediction algorithms are not available or were not evaluated, and the functional significance of this variant is currently unknown. ClinVar contains an entry for this variant (Variation ID: 854227). This variant has not been reported in the literature in individuals affected with PRKAG2-related conditions. This variant is not present in population databases (gnomAD no frequency). This variant, c.326_328del, results in the deletion of 1 amino acid(s) of the PRKAG2 protein (p.Ser109del), but otherwise preserves the integrity of the reading frame.

Color Diagnostics, LLC DBA Color Health
Classification: Uncertain significance for Cardiomyopathy. Last evaluated: 2019-08-27. Review status: criteria provided, single submitter. Criteria: ACMG Guidelines, 2015. Collection method: clinical testing. Allele origin: germline.
Comment: This variant deletes a single amino acid in the PRKAG2 protein. Splice site prediction tools suggest that this variant may not impact RNA splicing. To our knowledge, functional studies have not been performed for this variant. This variant has not been reported in individuals affected with cardiovascular disorders in the literature. This variant has not been identified in the general population by the Genome Aggregation Database (gnomAD). The available evidence is insufficient to determine the role of this variant in disease conclusively. Therefore, this variant is classified as a Variant of Uncertain Significance.

NM_016203.4(PRKAG2):c.326_328del (p.Ser109del)

Gene: PRKAG2 (protein kinase AMP-activated non-catalytic subunit gamma 2; minus strand). Cytogenetic location: 7q36.1.
Variant type: Deletion.
Coding change: c.326_328del on transcript NM_016203.4 (MANE Select); coding-DNA positions 326 to 328, 3 bases deleted (CCT; older notation c.326_328delCCT).
Protein change: p.Ser109del; deletes serine 109.
Molecular consequence: inframe deletion.
Genome position (GRCh38, 1-based): chr7:151,781,290-151,781,292, AGG deleted on the plus strand (CCT on the coding strand, the reverse complement: PRKAG2 is on the minus strand); deleting any 3 consecutive bases within chr7:151,781,290-151,781,294 gives the same sequence; the c. name uses the placement nearest the transcript's 3' end. VCF-style (leftmost placement, unchanged base first): chr7-151781289-TAGG-T. GRCh37 (hg19) VCF-style: chr7-151478375-TAGG-T.
Other names: c.194_196del, p.Ser65del (NM_001040633.2); short protein forms S109del, S65del.
Identifiers: ClinVar variation 854227 (VCV000854227.10), dbSNP rs2076654551, ClinGen allele CA916082966.